The following is an entry in ClinVar:

ClinVar aggregate classification (germline): Likely benign (0 of 4 stars; one submission).

Conditions:
UNC13A-related disorder. Also called: UNC13A-related condition.

Allele frequency attached by ClinVar (database versions not stated): ExAC 0.00001; TOPMed 0.00001; gnomAD exomes 0.00009.
gnomAD v4.1: 135 of 1,614,088 alleles (0.0084%); highest among the groups gnomAD compares: Non-Finnish European, 0.011%; no homozygotes.

Submission:

PreventionGenetics, part of Exact Sciences
Classification: Likely benign for UNC13A-related condition. Last evaluated: 2022-12-05. Review status: no assertion criteria provided. Collection method: clinical testing. Allele origin: germline.
Comment: This variant is classified as likely benign based on ACMG/AMP sequence variant interpretation guidelines (Richards et al. 2015 PMID: 25741868, with internal and published modifications).

NM_001080421.3(UNC13A):c.3234T>C (p.Asn1078=)

Gene: UNC13A (unc-13 homolog A; minus strand). Cytogenetic location: 19p13.11.
Variant type: single nucleotide variant.
Coding change: c.3234T>C on transcript NM_001080421.3 (MANE Select); coding-DNA position 3234, T replaced by C.
Protein change: p.Asn1078=; no amino-acid change (asparagine 1078 retained).
Molecular consequence: synonymous variant.
Genome position (GRCh38, 1-based): chr19:17,633,175, A>G on the plus strand (T>C on the coding strand, the complement: UNC13A is on the minus strand). VCF-style: chr19-17633175-A-G. GRCh37 (hg19) VCF-style: chr19-17743984-A-G.
Other names: c.3228T>C, p.Asn1076= (NM_001387021.1, NM_001387022.1, NM_001387023.1).
Identifiers: ClinVar variation 3055255 (VCV003055255.2), dbSNP rs745564240, ClinGen allele CA9298051.